The following is an entry in ClinVar:

ClinVar aggregate classification (germline): Uncertain significance. Review status: criteria provided, multiple submitters, no conflicts (2 of 4 stars). 2 submissions from 2 submitters: Uncertain significance (2). Last evaluated 2026-03-11.

Conditions:
Dilated cardiomyopathy 1W (CMD1W). Identifiers: Orphanet 154, MedGen C1969639, MONDO:0012667, OMIM 611407.

Allele frequency attached by ClinVar (database versions not stated): gnomAD exomes below 0.00001.
gnomAD v4.1: 1 of 1,614,130 alleles (0.000062%); highest among the groups gnomAD compares: Non-Finnish European, 0.000085%; no homozygotes.

Submissions (2):

GeneDx
Classification: Uncertain significance. Last evaluated: 2026-03-11. Review status: criteria provided, single submitter. Criteria: GeneDx Variant Classification Process June 2021. Collection method: clinical testing. Allele origin: germline.
Comment: Not observed at significant frequency in large population cohorts (gnomAD); Has not been previously published as pathogenic or benign to our knowledge; Nonsense variant predicted to result in protein truncation as the last 18 amino acid(s) are lost with an unclear effect on protein function

Labcorp Genetics (formerly Invitae), Labcorp
Classification: Uncertain significance for Dilated cardiomyopathy 1W. Last evaluated: 2023-12-06. Review status: criteria provided, single submitter. Criteria: Invitae Variant Classification Sherloc (09022015). Collection method: clinical testing. Allele origin: germline.
Comment: This sequence change creates a premature translational stop signal (p.Arg1117*) in the VCL gene. While this is not anticipated to result in nonsense mediated decay, it is expected to disrupt the last 18 amino acid(s) of the VCL protein. This variant is not present in population databases (gnomAD no frequency). This variant has not been reported in the literature in individuals affected with VCL-related conditions. Experimental studies and prediction algorithms are not available or were not evaluated, and the functional significance of this variant is currently unknown. In summary, the available evidence is currently insufficient to determine the role of this variant in disease. Therefore, it has been classified as a Variant of Uncertain Significance.

NM_014000.3(VCL):c.3349C>T (p.Arg1117Ter)

Gene: VCL (vinculin; plus strand). Cytogenetic location: 10q22.2.
Variant type: single nucleotide variant.
Coding change: c.3349C>T on transcript NM_014000.3 (MANE Select); coding-DNA position 3349, C replaced by T.
Protein change: p.Arg1117Ter; replaces arginine 1117 with a stop codon.
Molecular consequence: nonsense.
Genome position (GRCh38, 1-based): chr10:74,118,113, C>T. VCF-style: chr10-74118113-C-T. GRCh37 (hg19) VCF-style: chr10-75877871-C-T.
Other names: c.3145C>T, p.Arg1049Ter (NM_003373.4); short protein forms R1117*, R1049*.
Identifiers: ClinVar variation 2787685 (VCV002787685.4), dbSNP rs2549239518, ClinGen allele CA377268775.